The following is an entry in ClinVar:

NM_000388.4(CASR):c.332C>G (p.Thr111Ser)

Gene: CASR (calcium sensing receptor; plus strand). Cytogenetic location: 3q21.1.
Variant type: single nucleotide variant.
Coding change: c.332C>G on transcript NM_000388.4 (MANE Select); coding-DNA position 332, C replaced by G.
Protein change: p.Thr111Ser; replaces threonine 111 with serine.
Molecular consequence: missense variant.
Genome position (GRCh38, 1-based): chr3:122,257,227, C>G. VCF-style: chr3-122257227-C-G. GRCh37 (hg19) VCF-style: chr3-121976074-C-G.
Other names: c.332C>G, p.Thr111Ser (NM_001178065.2); short protein forms T111S.
Identifiers: ClinVar variation 4531872 (VCV004531872.1).

ClinVar aggregate classification (germline): Uncertain significance (1 of 4 stars; one submission).

Conditions:
Familial hypocalciuric hypercalcemia 1. Also called: Hypercalcemia, familial benign type 1. Identifiers: Orphanet 405, Orphanet 93372, MedGen C0342637, MONDO:0007791, OMIM 145980.

Submission:

Victorian Clinical Genetics Services, Murdoch Childrens Research Institute
Classification: Uncertain significance for Familial hypocalciuric hypercalcemia 1. Last evaluated: 2025-06-17. Review status: criteria provided, single submitter. Criteria: ACMG Guidelines, 2015. Collection method: clinical testing. Allele origin: germline. Affected: yes.
Comment: This variant is classified as VUS-3B. Evidence in support of pathogenic classification: Variant is absent from gnomAD (v2, v3 and v4). Additional information: Variant is predicted to result in a missense amino acid change from threonine to serine; This variant is heterozygous; This gene is associated with both recessive and dominant disease (OMIM); This variant has no previous evidence of pathogenicity; No published segregation evidence has been identified for this variant; No published functional evidence has been identified for this variant; No comparable missense variants have previous evidence for pathogenicity. The p.(Thr111Ser) variant has been reported in the literature in a heterozygous state in an individual with familial hypocalciuric hypercalcemia (PMID: 40417236); however, this variant is not comparable due to its higher Grantham score; Variant is located in the annotated receptor family ligand binding region (DECIPHER); Missense variant with inconclusive in silico prediction and uninformative conservation; Dominant negative and loss of function are known mechanisms of disease in this gene and are associated with hypocalciuric hypercalcaemia (MIM#145980), and neonatal hyperparathyroidism (MIM#239200). Gain of function is associated with hypocalcaemia, with or without Bartter syndrome (MIM#601198) (PMIDs: 22422767, 26646938); Variants in this gene are known to have variable expressivity. Intra-familial variability has been reported (PMID: 11807402); Inheritance information for this variant is not currently available in this individual.

Literature cited by the submitters: PubMed 22422767; PubMed 26646938; PubMed 11807402; PubMed 40417236.